The following is an entry in ClinVar:

NM_001572.5(IRF7):c.323T>G (p.Leu108Arg)

Gene: IRF7 (interferon regulatory factor 7; minus strand). Cytogenetic location: 11p15.5.
Variant type: single nucleotide variant.
Coding change: c.323T>G on transcript NM_001572.5 (MANE Select); coding-DNA position 323, T replaced by G.
Protein change: p.Leu108Arg; replaces leucine 108 with arginine.
Molecular consequence: missense variant.
Genome position (GRCh38, 1-based): chr11:614,868, A>C on the plus strand (T>G on the coding strand, the complement: IRF7 is on the minus strand). VCF-style: chr11-614868-A-C. GRCh37 (hg19) VCF-style: chr11-614868-A-C.
Other names: c.323T>G, p.Leu108Arg (NM_004029.4); c.362T>G, p.Leu121Arg (NM_004031.4); short protein forms L121R, L108R.
Identifiers: ClinVar variation 2868577 (VCV002868577.3), dbSNP rs1286419696, ClinGen allele CA378983073.

ClinVar aggregate classification (germline): Uncertain significance (1 of 4 stars; one submission).

Conditions:
Immunodeficiency 39 (IMD39). Identifiers: Orphanet 574918, MedGen C4225358, MONDO:0014597, OMIM 616345.

gnomAD v4.1: 9 of 1,576,230 alleles (0.00057%); highest among the groups gnomAD compares: Non-Finnish European, 0.00077%; no homozygotes.

Submission:

Labcorp Genetics (formerly Invitae), Labcorp
Classification: Uncertain significance for Immunodeficiency 39. Last evaluated: 2023-09-04. Review status: criteria provided, single submitter. Criteria: Invitae Variant Classification Sherloc (09022015). Collection method: clinical testing. Allele origin: germline.
Comment: This sequence change replaces leucine, which is neutral and non-polar, with arginine, which is basic and polar, at codon 121 of the IRF7 protein (p.Leu121Arg). This variant is not present in population databases (gnomAD no frequency). This variant has not been reported in the literature in individuals affected with IRF7-related conditions. Advanced modeling of protein sequence and biophysical properties (such as structural, functional, and spatial information, amino acid conservation, physicochemical variation, residue mobility, and thermodynamic stability) performed at Invitae indicates that this missense variant is not expected to disrupt IRF7 protein function. In summary, the available evidence is currently insufficient to determine the role of this variant in disease. Therefore, it has been classified as a Variant of Uncertain Significance.